The following is an entry in ClinVar:

ClinVar aggregate classification (germline): Uncertain significance (1 of 4 stars; one submission).

Conditions:
Glycogen storage disease XV (GSD15). Also called: GLYCOGENIN DEFICIENCY; GSD XV. Identifiers: Orphanet 263297, MedGen C3150754, MONDO:0013291, OMIM 613507.
Polyglucosan body myopathy type 2. Identifiers: Orphanet 456369, MedGen C4015452, MONDO:0014526, OMIM 616199.

Allele frequency attached by ClinVar (database versions not stated): gnomAD 0.00003 and 0.00004; gnomAD exomes 0.00001.
gnomAD v4.1: 14 of 1,613,810 alleles (0.00087%); highest among the groups gnomAD compares: African/African-American, 0.013%; no homozygotes.

Submission:

Labcorp Genetics (formerly Invitae), Labcorp
Classification: Uncertain significance for Polyglucosan body myopathy type 2; Glycogen storage disease XV. Last evaluated: 2025-04-28. Review status: criteria provided, single submitter. Criteria: Invitae Variant Classification Sherloc (09022015). Collection method: clinical testing. Allele origin: germline.
Comment: This sequence change replaces alanine, which is neutral and non-polar, with proline, which is neutral and non-polar, at codon 310 of the GYG1 protein (p.Ala310Pro). This variant is present in population databases (no rsID available, gnomAD 0.004%). This variant has not been reported in the literature in individuals affected with GYG1-related conditions. ClinVar contains an entry for this variant (Variation ID: 1404050). An algorithm developed to predict the effect of missense changes on protein structure and function outputs the following: PolyPhen-2: "Benign". The proline amino acid residue is found in multiple mammalian species, which suggests that this missense change does not adversely affect protein function. In summary, the available evidence is currently insufficient to determine the role of this variant in disease. Therefore, it has been classified as a Variant of Uncertain Significance.

NM_004130.4(GYG1):c.928G>C (p.Ala310Pro)

Gene: GYG1 (glycogenin 1; plus strand). Cytogenetic location: 3q24.
Variant type: single nucleotide variant.
Coding change: c.928G>C on transcript NM_004130.4 (MANE Select); coding-DNA position 928, G replaced by C.
Protein change: p.Ala310Pro; replaces alanine 310 with proline.
Molecular consequence: missense variant.
Genome position (GRCh38, 1-based): chr3:149,026,808, G>C. VCF-style: chr3-149026808-G-C. GRCh37 (hg19) VCF-style: chr3-148744595-G-C.
Other names: c.877G>C, p.Ala293Pro (NM_001184720.2); c.657G>C, p.Gln219His (NM_001184721.2); short protein forms A310P, Q219H, A293P.
Identifiers: ClinVar variation 1404050 (VCV001404050.6), dbSNP rs1363436975, ClinGen allele CA354909324.
Genomic context (GRCh38, chr3:149,026,808, plus strand): 5'-TTTCCTTTCTAGGAAGATGTCTCAGGAGCCATATCACATCTGTCCCTTGGGGAGATCCCA[G>C]CTATGGCACAGCCGTTTGTATCCTCGGAAGAACGGAAGGAACGATGGGAACAGGGCCAGG-3'
Protein context (NP_004121.2, residues 300-320): ISHLSLGEIP[Ala310Pro]MAQPFVSSEE